The following is an entry in ClinVar:

ClinVar aggregate classification (germline): Uncertain significance (1 of 4 stars; one submission).

Conditions:
Cystic fibrosis (CF). Also called: MUCOVISCIDOSIS. Identifiers: Orphanet 586, MedGen C0010674, MONDO:0009061, OMIM 219700. Disease mechanism: loss of function.

Submission:

Labcorp Genetics (formerly Invitae), Labcorp
Classification: Uncertain significance for Cystic fibrosis. Last evaluated: 2025-08-18. Review status: criteria provided, single submitter. Criteria: Invitae Variant Classification Sherloc (09022015). Collection method: clinical testing. Allele origin: germline.
Comment: This sequence change replaces isoleucine, which is neutral and non-polar, with valine, which is neutral and non-polar, at codon 344 of the CFTR protein (p.Ile344Val). This variant is present in population databases (rs770678816, gnomAD 0.0009%). This variant has not been reported in the literature in individuals affected with CFTR-related conditions. Invitae Evidence Modeling of protein sequence and biophysical properties (such as structural, functional, and spatial information, amino acid conservation, physicochemical variation, residue mobility, and thermodynamic stability) indicates that this missense variant is not expected to disrupt CFTR protein function with a negative predictive value of 80%. In summary, the available evidence is currently insufficient to determine the role of this variant in disease. Therefore, it has been classified as a Variant of Uncertain Significance.

NM_000492.4(CFTR):c.1030A>G (p.Ile344Val)

Gene: CFTR (CF transmembrane conductance regulator; plus strand). Cytogenetic location: 7q31.2.
Variant type: single nucleotide variant.
Coding change: c.1030A>G on transcript NM_000492.4 (MANE Select); coding-DNA position 1030, A replaced by G.
Protein change: p.Ile344Val; replaces isoleucine 344 with valine.
Molecular consequence: missense variant.
Genome position (GRCh38, 1-based): chr7:117,540,260, A>G. VCF-style: chr7-117540260-A-G. GRCh37 (hg19) VCF-style: chr7-117180314-A-G.
Other names: short protein forms I344V.
Identifiers: ClinVar variation 4804156 (VCV004804156.1).